The following is an entry in ClinVar:

ClinVar aggregate classification (germline): Uncertain significance (1 of 4 stars; one submission).

Allele frequency attached by ClinVar (database versions not stated): ExAC 0.00001; 1000 Genomes Project 0.00020; 1000 Genomes Project 30x 0.00031.
gnomAD v4.1: 1 of 1,614,254 alleles (0.000062%); highest among the groups gnomAD compares: East Asian, 0.0022%; no homozygotes.

Submission:

Labcorp Genetics (formerly Invitae), Labcorp
Classification: Uncertain significance. Last evaluated: 2021-09-05. Review status: criteria provided, single submitter. Criteria: Invitae Variant Classification Sherloc (09022015). Collection method: clinical testing. Allele origin: germline.
Comment: This sequence change replaces glutamic acid with alanine at codon 455 of the PPARG protein (p.Glu455Ala). The glutamic acid residue is moderately conserved and there is a moderate physicochemical difference between glutamic acid and alanine. In summary, the available evidence is currently insufficient to determine the role of this variant in disease. Therefore, it has been classified as a Variant of Uncertain Significance. Algorithms developed to predict the effect of missense changes on protein structure and function are either unavailable or do not agree on the potential impact of this missense change (SIFT: "Deleterious"; PolyPhen-2: "Benign"; Align-GVGD: "Class C0"). This variant has not been reported in the literature in individuals affected with PPARG-related conditions. This variant is present in population databases (rs186728157, ExAC 0.01%).

NM_138711.6(PPARG):c.1274A>C (p.Glu425Ala)

Gene: PPARG (peroxisome proliferator activated receptor gamma; plus strand). Cytogenetic location: 3p25.2.
Variant type: single nucleotide variant.
Coding change: c.1274A>C on transcript NM_138711.6 (MANE Select); coding-DNA position 1274, A replaced by C.
Protein change: p.Glu425Ala; replaces glutamic acid 425 with alanine.
Molecular consequence: missense variant. On other transcripts: 3 prime UTR variant (5).
Genome position (GRCh38, 1-based): chr3:12,433,991, A>C. VCF-style: chr3-12433991-A-C. GRCh37 (hg19) VCF-style: chr3-12475490-A-C.
Other names: c.*76A>C (NM_001330615.4, NM_001374261.3, NM_001374262.3 and 1 more transcripts); c.1274A>C, p.Glu425Ala (NM_001354666.3, NM_001354667.3, NM_001374263.2 and 3 more transcripts); c.647A>C, p.Glu216Ala (NM_001354669.2); c.*60A>C (NM_001374266.1); c.1364A>C, p.Glu455Ala (NM_015869.5); short protein forms E425A, E455A, E216A.
Identifiers: ClinVar variation 1379733 (VCV001379733.6), dbSNP rs186728157, ClinGen allele CA2258357.